The following is an entry in ClinVar:

NM_001267550.2(TTN):c.32854G>A (p.Glu10952Lys)

Gene: TTN (titin; minus strand). Cytogenetic location: 2q31.2.
Variant type: single nucleotide variant.
Coding change: c.32854G>A on transcript NM_001267550.2 (MANE Select); coding-DNA position 32854, G replaced by A.
Protein change: p.Glu10952Lys; replaces glutamic acid 10952 with lysine.
Molecular consequence: missense variant. On other transcripts: intron variant (3).
Genome position (GRCh38, 1-based): chr2:178,683,244, C>T on the plus strand (G>A on the coding strand, the complement: TTN is on the minus strand). VCF-style: chr2-178683244-C-T. GRCh37 (hg19) VCF-style: chr2-179547971-C-T.
Other names: c.31903G>A, p.Glu10635Lys (NM_001256850.1); c.29122G>A, p.Glu9708Lys (NM_133378.4); c.13283-40927G>A (NM_003319.4); c.13859-40927G>A (NM_133437.4); c.13658-40927G>A (NM_133432.3); short protein forms E10635K, E10952K, E9708K.
Identifiers: ClinVar variation 4882030 (VCV004882030.2).

ClinVar aggregate classification (germline): Uncertain significance (1 of 4 stars; one submission).

Submission:

Dasa
Classification: Uncertain significance. Last evaluated: 2025-03-10. Review status: criteria provided, single submitter. Criteria: DASA Assertion Criteria. Collection method: clinical testing. Allele origin: germline.
Comment: NM_001267550.2(TTN):c.32854G>A (p.Glu10952Lys) is a missense variant that results in the substitution of glutamic acid with lysine. This variant is rare in population databases. Computational prediction algorithms are consistent with a benign effect. The currently available literature and clinical evidence are not sufficient to establish a definitive association between this variant and the reported condition. Therefore, this variant is classified as a variant of uncertain significance.